The following is an entry in ClinVar:

ClinVar aggregate classification (germline): Uncertain significance (1 of 4 stars; one submission).

Submission:

Labcorp Genetics (formerly Invitae), Labcorp
Classification: Uncertain significance. Last evaluated: 2023-12-11. Review status: criteria provided, single submitter. Criteria: Invitae Variant Classification Sherloc (09022015). Collection method: clinical testing. Allele origin: germline.
Comment: This sequence change replaces asparagine, which is neutral and polar, with isoleucine, which is neutral and non-polar, at codon 423 of the POLE protein (p.Asn423Ile). This variant is not present in population databases (gnomAD no frequency). This variant has not been reported in the literature in individuals affected with POLE-related conditions. ClinVar contains an entry for this variant (Variation ID: 2092169). Advanced modeling of protein sequence and biophysical properties (such as structural, functional, and spatial information, amino acid conservation, physicochemical variation, residue mobility, and thermodynamic stability) performed at Invitae indicates that this missense variant is expected to disrupt POLE protein function with a positive predictive value of 80%. In summary, the available evidence is currently insufficient to determine the role of this variant in disease. Therefore, it has been classified as a Variant of Uncertain Significance.

NM_006231.4(POLE):c.1268A>T (p.Asn423Ile)

Gene: POLE (DNA polymerase epsilon, catalytic subunit; minus strand). Cytogenetic location: 12q24.33.
Variant type: single nucleotide variant.
Coding change: c.1268A>T on transcript NM_006231.4 (MANE Select); coding-DNA position 1268, A replaced by T.
Protein change: p.Asn423Ile; replaces asparagine 423 with isoleucine.
Molecular consequence: missense variant.
Genome position (GRCh38, 1-based): chr12:132,673,666, T>A on the plus strand (A>T on the coding strand, the complement: POLE is on the minus strand). VCF-style: chr12-132673666-T-A. GRCh37 (hg19) VCF-style: chr12-133250252-T-A.
Other names: short protein forms N423I.
Identifiers: ClinVar variation 2092169 (VCV002092169.4), dbSNP rs2136000282, ClinGen allele CA387359552.